The following is an entry in ClinVar:

NM_014268.4(MAPRE2):c.555T>C (p.Gly185=)

Gene: MAPRE2 (microtubule associated protein RP/EB family member 2; plus strand). Cytogenetic location: 18q12.2.
Variant type: single nucleotide variant.
Coding change: c.555T>C on transcript NM_014268.4 (MANE Select); coding-DNA position 555, T replaced by C.
Protein change: p.Gly185=; no amino-acid change (glycine 185 retained).
Molecular consequence: synonymous variant. On other transcripts: non-coding transcript variant (1).
Genome position (GRCh38, 1-based): chr18:35,102,104, T>C. VCF-style: chr18-35102104-T-C. GRCh37 (hg19) VCF-style: chr18-32682068-T-C.
Other names: c.426T>C, p.Gly142= (NM_001143826.3); c.519T>C, p.Gly173= (NM_001143827.3); c.396T>C, p.Gly132= (NM_001256420.2).
Identifiers: ClinVar variation 3777857 (VCV003777857.7).
Genomic context (GRCh38, chr18:35,102,104, plus strand): 5'-GGAGTATGATCCTGTAGAGGCACGACAAGGGCAAGATGCAATTCCTCCTCCTGACCCTGG[T>C]GAACAGATCTTCAACCTGCCAAAAAAGTCTCACCATGCAAACTCCCCCACAGCAGGTATT-3'
Protein context (NP_055083.1, residues 175-195): GQDAIPPPDP[Gly185=]EQIFNLPKKS

ClinVar aggregate classification (germline): Likely benign (1 of 4 stars; one submission).

gnomAD v4.1: 513 of 1,612,388 alleles (0.032%); highest among the groups gnomAD compares: African/African-American, 0.23%; 3 homozygotes.

Submission:

CeGaT Center for Human Genetics Tuebingen
Classification: Likely benign. Last evaluated: 2025-03-01. Review status: criteria provided, single submitter. Criteria: CeGaT Center For Human Genetics Tuebingen Variant Classification Criteria Version 2. Collection method: clinical testing. Allele origin: germline. Affected: yes. Observed: 1 variant allele.
Comment: MAPRE2: BP4, BP7